The following is an entry in ClinVar:

ClinVar aggregate classification (germline): Uncertain significance. Review status: criteria provided, single submitter (1 of 4 stars). 2 submissions from 2 submitters: Uncertain significance (1). 1 of the submissions does not count toward it. Last evaluated 2022-02-09.

Conditions:
Neuronal ceroid lipofuscinosis 2. Also called: TPP1-Related Neuronal Ceroid-Lipofuscinosis; JANSKY-BIELSCHOWSKY DISEASE NEURONAL CEROID LIPOFUSCINOSIS, LATE INFANTILE. Identifiers: Orphanet 168491, Orphanet 228349, Orphanet 79264, MedGen C1876161, MONDO:0008769, OMIM 204500.

Allele frequency attached by ClinVar (database versions not stated): gnomAD exomes below 0.00001 and 0.00002; TOPMed 0.00001; ExAC 0.00002.

Submissions (2):

Labcorp Genetics (formerly Invitae), Labcorp
Classification: Uncertain significance. Last evaluated: 2022-02-09. Review status: criteria provided, single submitter. Criteria: Invitae Variant Classification Sherloc (09022015). Collection method: clinical testing. Allele origin: germline.
Comment: This sequence change replaces glutamine, which is neutral and polar, with glutamic acid, which is acidic and polar, at codon 27 of the TPP1 protein (p.Gln27Glu). This variant is present in population databases (rs775155638, gnomAD 0.02%). This variant has not been reported in the literature in individuals affected with TPP1-related conditions. ClinVar contains an entry for this variant (Variation ID: 1007273). Advanced modeling of protein sequence and biophysical properties (such as structural, functional, and spatial information, amino acid conservation, physicochemical variation, residue mobility, and thermodynamic stability) performed at Invitae indicates that this missense variant is not expected to disrupt TPP1 protein function. In summary, the available evidence is currently insufficient to determine the role of this variant in disease. Therefore, it has been classified as a Variant of Uncertain Significance.

Natera, Inc.
Classification: Uncertain significance for Neuronal ceroid lipofuscinosis 2. Last evaluated: 2020-01-24. Review status: no assertion criteria provided. Collection method: clinical testing. Allele origin: germline. Not counted in ClinVar's aggregate classification.

NM_000391.4(TPP1):c.79C>G (p.Gln27Glu)

Gene: TPP1 (tripeptidyl peptidase 1; minus strand). Cytogenetic location: 11p15.4.
Variant type: single nucleotide variant.
Coding change: c.79C>G on transcript NM_000391.4 (MANE Select); coding-DNA position 79, C replaced by G.
Protein change: p.Gln27Glu; replaces glutamine 27 with glutamic acid.
Molecular consequence: missense variant.
Genome position (GRCh38, 1-based): chr11:6,619,206, G>C on the plus strand (C>G on the coding strand, the complement: TPP1 is on the minus strand). VCF-style: chr11-6619206-G-C. GRCh37 (hg19) VCF-style: chr11-6640437-G-C.
Other names: short protein forms Q27E.
Identifiers: ClinVar variation 1007273 (VCV001007273.5), dbSNP rs775155638, ClinGen allele CA5859071.